The following is an entry in ClinVar:

NM_177438.3(DICER1):c.5623G>T (p.Asp1875Tyr)

Gene: DICER1 (dicer 1, ribonuclease III; minus strand). Cytogenetic location: 14q32.13.
Variant type: single nucleotide variant.
Coding change: c.5623G>T on transcript NM_177438.3 (MANE Select); coding-DNA position 5623, G replaced by T.
Protein change: p.Asp1875Tyr; replaces aspartic acid 1875 with tyrosine.
Molecular consequence: missense variant. On other transcripts: synonymous variant (1).
Genome position (GRCh38, 1-based): chr14:95,090,644, C>A on the plus strand (G>T on the coding strand, the complement: DICER1 is on the minus strand). VCF-style: chr14-95090644-C-A. GRCh37 (hg19) VCF-style: chr14-95556981-C-A.
Other names: c.5460G>T, p.Thr1820= (NM_001195573.1); c.5623G>T, p.Asp1875Tyr (NM_001271282.3, NM_001291628.2, NM_030621.4); short protein forms D1875Y.
Identifiers: ClinVar variation 412042 (VCV000412042.11), dbSNP rs745601023, ClinGen allele CA16614264.

ClinVar aggregate classification (germline): Uncertain significance. Review status: criteria provided, multiple submitters, no conflicts (2 of 4 stars). 2 submissions from 2 submitters: Uncertain significance (2). Last evaluated 2025-09-28.

Conditions:
DICER1-related tumor predisposition. Also called: DICER1-related pleuropulmonary blastoma cancer predisposition syndrome; DICER1 syndrome. Identifiers: Orphanet 284343, MedGen C3839822, MONDO:0100216.
Hereditary cancer-predisposing syndrome. Also called: Hereditary neoplastic syndrome; Neoplastic Syndromes, Hereditary; Tumor predisposition; Hereditary Cancer Syndrome. Identifiers: Orphanet 140162, MedGen C0027672, MeSH D009386, MONDO:0015356.

Submissions (2):

Ambry Genetics
Classification: Uncertain significance for Hereditary cancer-predisposing syndrome. Last evaluated: 2025-09-28. Review status: criteria provided, single submitter. Criteria: Ambry Variant Classification Scheme 2023. Collection method: clinical testing. Allele origin: germline.

Labcorp Genetics (formerly Invitae), Labcorp
Classification: Uncertain significance for DICER1-related tumor predisposition. Last evaluated: 2016-10-15. Review status: criteria provided, single submitter. Criteria: Invitae Variant Classification Sherloc (09022015). Collection method: clinical testing. Allele origin: germline.
Comment: This sequence change replaces aspartic acid with tyrosine at codon 1875 of the DICER1 protein (p.Asp1875Tyr). The aspartic acid residue is highly conserved and there is a large physicochemical difference between aspartic acid and tyrosine. This variant is not present in population databases (ExAC no frequency) and has not been reported in the literature in individuals with a DICER1-related disease. Algorithms developed to predict the effect of missense changes on protein structure and function (SIFT, PolyPhen-2, Align-GVGD) all suggest that this variant is likely to be disruptive, but these predictions have not been confirmed by published functional studies. In summary, this variant is a novel missense change with uncertain impact on protein function. It has been classified as a Variant of Uncertain Significance.